The following is an entry in ClinVar:

ClinVar aggregate classification (germline): Pathogenic/Likely pathogenic. Review status: criteria provided, multiple submitters, no conflicts (2 of 4 stars). 3 submissions from 3 submitters: Pathogenic (1); Likely pathogenic (2). Last evaluated 2026-07-10.

Conditions:
MYO15A-related disorder. Also called: MYO15A-related condition.

Allele frequency attached by ClinVar (database versions not stated): TOPMed below 0.00001; gnomAD 0.00001; gnomAD exomes 0.00002; ExAC 0.00010.
gnomAD v4.1: 28 of 1,613,690 alleles (0.0017%); highest among the groups gnomAD compares: Non-Finnish European, 0.002%; no homozygotes.

Submissions (3):

GeneDx
Classification: Likely pathogenic. Last evaluated: 2026-07-10. Review status: criteria provided, single submitter. Criteria: GeneDx Variant Classification Process June 2021. Collection method: clinical testing. Allele origin: germline.
Comment: Nonsense variant predicted to result in protein truncation or nonsense mediated decay in a gene for which loss of function is a known mechanism of disease; This variant is associated with the following publications: (PMID: 33726816, 39333430)

Labcorp Genetics (formerly Invitae), Labcorp
Classification: Pathogenic. Last evaluated: 2024-02-01. Review status: criteria provided, single submitter. Criteria: Invitae Variant Classification Sherloc (09022015). Collection method: clinical testing. Allele origin: germline.
Comment: This sequence change creates a premature translational stop signal (p.Gln1839*) in the MYO15A gene. It is expected to result in an absent or disrupted protein product. Loss-of-function variants in MYO15A are known to be pathogenic (PMID: 17546645). This variant is present in population databases (rs760853089, gnomAD 0.01%). This variant has not been reported in the literature in individuals affected with MYO15A-related conditions. Algorithms developed to predict the effect of sequence changes on RNA splicing suggest that this variant may disrupt the consensus splice site. For these reasons, this variant has been classified as Pathogenic.

Blueprint Genetics
Classification: Likely pathogenic for MYO15A-related disorders. Last evaluated: 2022-05-17. Review status: criteria provided, single submitter. Criteria: ACMG Guidelines, 2015. Collection method: clinical testing. Allele origin: germline. Affected: yes. Observed: 4 variant alleles.

Literature cited by the submitters: PubMed 17546645 (cited by Labcorp Genetics (formerly Invitae), Labcorp).

NM_016239.4(MYO15A):c.5515C>T (p.Gln1839Ter)

Gene: MYO15A (myosin XVA; plus strand). Cytogenetic location: 17p11.2.
Variant type: single nucleotide variant.
Coding change: c.5515C>T on transcript NM_016239.4 (MANE Select); coding-DNA position 5515, C replaced by T.
Protein change: p.Gln1839Ter; replaces glutamine 1839 with a stop codon.
Molecular consequence: nonsense.
Genome position (GRCh38, 1-based): chr17:18,141,127, C>T. VCF-style: chr17-18141127-C-T. GRCh37 (hg19) VCF-style: chr17-18044441-C-T.
Other names: c.5515C>T (NM_016239.3); short protein forms Q1839*.
Identifiers: ClinVar variation 2978302 (VCV002978302.6), dbSNP rs760853089, ClinGen allele CA8424300.